The following is an entry in ClinVar:

ClinVar aggregate classification (germline): Likely pathogenic (1 of 4 stars; one submission).

Conditions:
Glycine encephalopathy. Also called: Non-ketotic hyperglycinemia; Nonketotic hyperglycinemia. Identifiers: Orphanet 407, MedGen C0751748, MONDO:0011612, HP:0008288.

Allele frequency attached by ClinVar (database versions not stated): gnomAD exomes below 0.00001.
gnomAD v4.1: 1 of 1,612,576 alleles (0.000062%); highest among the groups gnomAD compares: Non-Finnish European, 0.000085%; no homozygotes.

Submission:

Labcorp Genetics (formerly Invitae), Labcorp
Classification: Likely pathogenic for Glycine encephalopathy. Last evaluated: 2021-09-15. Review status: criteria provided, single submitter. Criteria: Invitae Variant Classification Sherloc (09022015). Collection method: clinical testing. Allele origin: germline.
Comment: In summary, the currently available evidence indicates that the variant is pathogenic, but additional data are needed to prove that conclusively. Therefore, this variant has been classified as Likely Pathogenic. This variant disrupts the p.Gly156 amino acid residue in GLDC. Other variant(s) that disrupt this residue have been determined to be pathogenic (PMID: 27362913). This suggests that this residue is clinically significant, and that variants that disrupt this residue are likely to be disease-causing. Advanced modeling of protein sequence and biophysical properties (such as structural, functional, and spatial information, amino acid conservation, physicochemical variation, residue mobility, and thermodynamic stability) performed at Invitae indicates that this missense variant is expected to disrupt GLDC protein function. This variant has not been reported in the literature in individuals affected with GLDC-related conditions. This variant is not present in population databases (ExAC no frequency). This sequence change replaces glycine with glutamic acid at codon 156 of the GLDC protein (p.Gly156Glu). The glycine residue is highly conserved and there is a moderate physicochemical difference between glycine and glutamic acid.

Literature cited by the submitters: PubMed 27362913.

NM_000170.3(GLDC):c.467G>A (p.Gly156Glu)

Gene: GLDC (glycine decarboxylase; minus strand). Cytogenetic location: 9p24.1.
Variant type: single nucleotide variant.
Coding change: c.467G>A on transcript NM_000170.3 (MANE Select); coding-DNA position 467, G replaced by A.
Protein change: p.Gly156Glu; replaces glycine 156 with glutamic acid.
Molecular consequence: missense variant.
Genome position (GRCh38, 1-based): chr9:6,620,187, C>T on the plus strand (G>A on the coding strand, the complement: GLDC is on the minus strand). VCF-style: chr9-6620187-C-T. GRCh37 (hg19) VCF-style: chr9-6620187-C-T.
Other names: short protein forms G156E.
Identifiers: ClinVar variation 1469831 (VCV001469831.6), dbSNP rs2129948795, ClinGen allele CA372879062.
Genomic context (GRCh38, chr9:6,620,187, plus strand): 5'-ATGGAGAGAATTATGCAAATCACAGTCATCCTGTTCCTGAACTGAGAAATACATTACCAT[C>T]CTGAGTTCTCCAGTAAGTTCCGCAAAATCGTCTGTGGCACTGAGCAGTTATAATAGCCCA-3'
Protein context (NP_000161.2, residues 146-166): TILRNLLENS[Gly156Glu]WITQYTPYQP